The following is an entry in ClinVar:

NM_152703.5(SAMD9L):c.1170G>T (p.Lys390Asn)

Gene: SAMD9L (sterile alpha motif domain containing 9 like; minus strand). Cytogenetic location: 7q21.2.
Variant type: single nucleotide variant.
Coding change: c.1170G>T on transcript NM_152703.5 (MANE Select); coding-DNA position 1170, G replaced by T.
Protein change: p.Lys390Asn; replaces lysine 390 with asparagine.
Molecular consequence: missense variant.
Genome position (GRCh38, 1-based): chr7:93,134,802, C>A on the plus strand (G>T on the coding strand, the complement: SAMD9L is on the minus strand). VCF-style: chr7-93134802-C-A. GRCh37 (hg19) VCF-style: chr7-92764115-C-A.
Other names: c.1170G>T, p.Lys390Asn (NM_001303496.3, NM_001303497.3, NM_001303498.3 and 5 more transcripts); short protein forms K390N.
Identifiers: ClinVar variation 3949772 (VCV003949772.1).

ClinVar aggregate classification (germline): Uncertain significance (1 of 4 stars; one submission).

Conditions:
Inborn genetic diseases. Identifiers: MedGen C0950123, MeSH D030342.

Submission:

Ambry Genetics
Classification: Uncertain significance for Inborn genetic diseases. Last evaluated: 2025-03-26. Review status: criteria provided, single submitter. Criteria: Ambry Variant Classification Scheme 2023. Collection method: clinical testing. Allele origin: germline.
Comment: The p.K390N variant (also known as c.1170G>T), located in coding exon 1 of the SAMD9L gene, results from a G to T substitution at nucleotide position 1170. The lysine at codon 390 is replaced by asparagine, an amino acid with similar properties. This amino acid position is conserved. In addition, this alteration is predicted to be tolerated by in silico analysis. Based on the available evidence, the clinical significance of this variant remains unclear.